The following is an entry in ClinVar:

NM_003922.4(HERC1):c.3850G>A (p.Glu1284Lys)

Gene: HERC1 (HECT and RLD domain containing E3 ubiquitin protein ligase family member 1; minus strand). Cytogenetic location: 15q22.31.
Variant type: single nucleotide variant.
Coding change: c.3850G>A on transcript NM_003922.4 (MANE Select); coding-DNA position 3850, G replaced by A.
Protein change: p.Glu1284Lys; replaces glutamic acid 1284 with lysine.
Molecular consequence: missense variant.
Genome position (GRCh38, 1-based): chr15:63,718,790, C>T on the plus strand (G>A on the coding strand, the complement: HERC1 is on the minus strand). VCF-style: chr15-63718790-C-T. GRCh37 (hg19) VCF-style: chr15-64010989-C-T.
Other names: short protein forms E1284K.
Identifiers: ClinVar variation 2694190 (VCV002694190.3), dbSNP rs2551617101, ClinGen allele CA392754908.

ClinVar aggregate classification (germline): Uncertain significance (1 of 4 stars; one submission).

Submission:

Labcorp Genetics (formerly Invitae), Labcorp
Classification: Uncertain significance. Last evaluated: 2023-11-25. Review status: criteria provided, single submitter. Criteria: Invitae Variant Classification Sherloc (09022015). Collection method: clinical testing. Allele origin: germline.
Comment: This sequence change replaces glutamic acid, which is acidic and polar, with lysine, which is basic and polar, at codon 1284 of the HERC1 protein (p.Glu1284Lys). This variant is not present in population databases (gnomAD no frequency). This variant has not been reported in the literature in individuals affected with HERC1-related conditions. Advanced modeling of protein sequence and biophysical properties (such as structural, functional, and spatial information, amino acid conservation, physicochemical variation, residue mobility, and thermodynamic stability) performed at Invitae indicates that this missense variant is not expected to disrupt HERC1 protein function with a negative predictive value of 80%. In summary, the available evidence is currently insufficient to determine the role of this variant in disease. Therefore, it has been classified as a Variant of Uncertain Significance.